The following is an entry in ClinVar:

ClinVar aggregate classification (germline): Uncertain significance. Review status: criteria provided, multiple submitters, no conflicts (2 of 4 stars). 5 submissions from 5 submitters: Uncertain significance (5). Last evaluated 2024-07-10.

Conditions:
Hereditary cancer-predisposing syndrome. Also called: Neoplastic Syndromes, Hereditary; Tumor predisposition; Hereditary Cancer Syndrome; Hereditary neoplastic syndrome. Identifiers: Orphanet 140162, MedGen C0027672, MeSH D009386, MONDO:0015356.
Familial cancer of breast. Also called: BREAST CANCER, FAMILIAL; Hereditary breast cancer; hereditary breast carcinoma. Identifiers: Orphanet 227535, MedGen C0346153, MONDO:0016419, OMIM 114480. Disease mechanism: loss of function.

Allele frequency attached by ClinVar (database versions not stated): ExAC 0.00001; gnomAD 0.00001; ESP Exome Variant Server 0.00008.
gnomAD v4.1: 6 of 1,608,666 alleles (0.00037%); highest among the groups gnomAD compares: Non-Finnish European, 0.00051%; no homozygotes.

Submissions (5):

Labcorp Genetics (formerly Invitae), Labcorp
Classification: Uncertain significance for Familial cancer of breast. Last evaluated: 2024-07-10. Review status: criteria provided, single submitter. Criteria: Invitae Variant Classification Sherloc (09022015). Collection method: clinical testing. Allele origin: germline.
Comment: This sequence change replaces leucine, which is neutral and non-polar, with histidine, which is basic and polar, at codon 338 of the CHEK2 protein (p.Leu338His). This variant is present in population databases (rs374660293, gnomAD 0.0009%). This variant has not been reported in the literature in individuals affected with CHEK2-related conditions. ClinVar contains an entry for this variant (Variation ID: 187290). An algorithm developed to predict the effect of missense changes on protein structure and function (PolyPhen-2) suggests that this variant is likely to be disruptive. In summary, the available evidence is currently insufficient to determine the role of this variant in disease. Therefore, it has been classified as a Variant of Uncertain Significance.

Ambry Genetics
Classification: Uncertain significance for Hereditary cancer-predisposing syndrome. Last evaluated: 2024-05-21. Review status: criteria provided, single submitter. Criteria: Ambry Variant Classification Scheme 2023. Collection method: clinical testing. Allele origin: germline.
Comment: The p.L338H variant (also known as c.1013T>A), located in coding exon 9 of the CHEK2 gene, results from a T to A substitution at nucleotide position 1013. The leucine at codon 338 is replaced by histidine, an amino acid with similar properties. This amino acid position is highly conserved in available vertebrate species. In addition, this alteration is predicted to be deleterious by in silico analysis. Since supporting evidence is limited at this time, the clinical significance of this alteration remains unclear.

GeneDx
Classification: Uncertain significance. Last evaluated: 2022-06-01. Review status: criteria provided, single submitter. Criteria: GeneDx Variant Classification Process June 2021. Collection method: clinical testing. Allele origin: germline. Affected: yes.
Comment: Not observed at significant frequency in large population cohorts (gnomAD); In silico analysis supports that this missense variant has a deleterious effect on protein structure/function; Has not been previously published as pathogenic or benign to our knowledge; This variant is associated with the following publications: (PMID: 22419737, 19782031)

Color Diagnostics, LLC DBA Color Health
Classification: Uncertain significance for Hereditary cancer-predisposing syndrome. Last evaluated: 2020-01-09. Review status: criteria provided, single submitter. Criteria: ACMG Guidelines, 2015. Collection method: clinical testing. Allele origin: germline.
Comment: This missense variant replaces leucine with histidine at codon 338 of the CHEK2 protein. Computational prediction suggests that this variant may have deleterious impact on protein structure and function (internally defined REVEL score threshold >= 0.7, PMID: 27666373). Splice site prediction tools suggest that this variant may not impact RNA splicing. To our knowledge, functional studies have not been performed for this variant. This variant has not been reported in individuals affected with hereditary cancer in the literature. This variant has been identified in 1/251074 chromosomes in the general population by the Genome Aggregation Database (gnomAD). The available evidence is insufficient to determine the role of this variant in disease conclusively. Therefore, this variant is classified as a Variant of Uncertain Significance.

Women's Health and Genetics/Laboratory Corporation of America, LabCorp
Classification: Uncertain significance. Last evaluated: 2017-12-11. Review status: criteria provided, single submitter. Criteria: LabCorp Variant Classification Summary - May 2015. Collection method: clinical testing. Allele origin: germline.
Comment: Variant summary: The CHEK2 c.1013T>A (p.Leu338His) variant located in the Protein Kinase Domain (InterPro) involves the alteration of a conserved nucleotide and 5/5 in silico tools predict a damaging outcome for this variant. However, these predictions have yet to be functionally assessed. This variant was found in 1/245870 control chromosomes (gnomAD) at a frequency of 0.0000041, which does not exceed the estimated maximal expected allele frequency of a pathogenic CHEK2 variant (0.0000284). In addition, a clinical diagnostic laboratory classified this variant as uncertain significance. The variant of interest has not, to our knowledge, been reported in affected individuals via publications. Because of the absence of clinical information and the lack of functional studies, the variant is classified as a "Variant of Uncertain Significance (VUS)," until additional information becomes available.

NM_007194.4(CHEK2):c.1013T>A (p.Leu338His)

Gene: CHEK2 (checkpoint kinase 2; minus strand). Cytogenetic location: 22q12.1.
Variant type: single nucleotide variant.
Coding change: c.1013T>A on transcript NM_007194.4 (MANE Select); coding-DNA position 1013, T replaced by A.
Protein change: p.Leu338His; replaces leucine 338 with histidine.
Molecular consequence: missense variant. On other transcripts: intron variant (3).
Genome position (GRCh38, 1-based): chr22:28,696,983, A>T on the plus strand (T>A on the coding strand, the complement: CHEK2 is on the minus strand). VCF-style: chr22-28696983-A-T. GRCh37 (hg19) VCF-style: chr22-29092971-A-T.
Other names: c.1142T>A, p.Leu381His (NM_001005735.3); c.350T>A, p.Leu117His (NM_001257387.3, NM_001437942.1); c.812T>A, p.Leu271His (NM_001349956.3); c.1106T>A, p.Leu369His (NM_001438293.1); c.1009-1110T>A (NM_145862.3); c.1102-1110T>A (NM_001438295.1); c.1138-1110T>A (NM_001438294.1); short protein forms L338H, L271H, L381H, L117H, L369H.
Identifiers: ClinVar variation 187290 (VCV000187290.21), dbSNP rs374660293, ClinGen allele CA197259.